The following is an entry in ClinVar:

ClinVar aggregate classification (germline): Pathogenic/Likely pathogenic. Review status: criteria provided, multiple submitters, no conflicts (2 of 4 stars). 3 submissions from 3 submitters: Pathogenic (2); Likely pathogenic (1). Last evaluated 2025-06-30.

Conditions:
Familial cancer of breast. Also called: BREAST CANCER, FAMILIAL; hereditary breast carcinoma; Hereditary breast cancer. Identifiers: Orphanet 227535, MedGen C0346153, MONDO:0016419, OMIM 114480. Disease mechanism: loss of function.
Fanconi anemia complementation group J. Also called: BRIP1-Related Fanconi Anemia. Identifiers: Orphanet 84, MedGen C1836860, MONDO:0012187, OMIM 609054.
Hereditary cancer-predisposing syndrome. Also called: Neoplastic Syndromes, Hereditary; Hereditary neoplastic syndrome; Tumor predisposition; Hereditary Cancer Syndrome. Identifiers: Orphanet 140162, MedGen C0027672, MeSH D009386, MONDO:0015356.

Submissions (3):

Ambry Genetics
Classification: Likely pathogenic for Hereditary cancer-predisposing syndrome. Last evaluated: 2025-06-30. Review status: criteria provided, single submitter. Criteria: Ambry Variant Classification Scheme 2023. Collection method: clinical testing. Allele origin: germline.
Comment: The p.Q25* variant (also known as c.73C>T), located in coding exon 1 of the BRIP1 gene, results from a C to T substitution at nucleotide position 73. This changes the amino acid from a glutamine to a stop codon within coding exon 1. The predicted stop codon occurs in the 5&rsquo; end of theBRIP1 gene. Premature termination codons in the 5&rsquo; end of a gene have been reported to escape nonsense-mediated mRNAdecay and/or lead to re-initiation (Rivas et al. Science. 2015 May 8;348(6235):666-9; Lindeboom et al. Nat Genet. 2016 Oct;48(10):1112-8; Rhee et al. Sci Rep. 2017 May 10;7(1):1653). Direct evidence for this alteration is unavailable, however premature termination codons are typically deleterious in nature. This variant is considered to be rare based on population cohorts in the Genome Aggregation Database (gnomAD). Based on the majority of available evidence to date, this variant is likely to be pathogenic.

Myriad Genetics, Inc.
Classification: Pathogenic for Familial cancer of breast. Last evaluated: 2023-05-30. Review status: criteria provided, single submitter. Criteria: Myriad Autosomal Dominant, Autosomal Recessive and X-Linked Classification Criteria (2023). Collection method: clinical testing. Allele origin: unknown.
Comment: This variant is considered pathogenic. This variant creates a termination codon and is predicted to result in premature protein truncation.

Labcorp Genetics (formerly Invitae), Labcorp
Classification: Pathogenic for Familial cancer of breast; Fanconi anemia complementation group J. Last evaluated: 2019-01-25. Review status: criteria provided, single submitter. Criteria: Invitae Variant Classification Sherloc (09022015). Collection method: clinical testing. Allele origin: germline.
Comment: For these reasons, this variant has been classified as Pathogenic. Loss-of-function variants in BRIP1 are known to be pathogenic (PMID: 16116423, 17033622, 21964575). This variant has not been reported in the literature in individuals with BRIP1-related conditions. This variant is not present in population databases (ExAC no frequency). This sequence change creates a premature translational stop signal (p.Gln25*) in the BRIP1 gene. It is expected to result in an absent or disrupted protein product.

Literature cited by the submitters: PubMed 16116423 (cited by Labcorp Genetics (formerly Invitae), Labcorp); PubMed 17033622 (cited by Labcorp Genetics (formerly Invitae), Labcorp); PubMed 21964575 (cited by Labcorp Genetics (formerly Invitae), Labcorp).

NM_032043.3(BRIP1):c.73C>T (p.Gln25Ter)

Gene: BRIP1 (BRCA1 interacting DNA helicase 1; minus strand). Cytogenetic location: 17q23.2.
Variant type: single nucleotide variant.
Coding change: c.73C>T on transcript NM_032043.3 (MANE Select); coding-DNA position 73, C replaced by T.
Protein change: p.Gln25Ter; replaces glutamine 25 with a stop codon.
Molecular consequence: nonsense.
Genome position (GRCh38, 1-based): chr17:61,861,467, G>A on the plus strand (C>T on the coding strand, the complement: BRIP1 is on the minus strand). VCF-style: chr17-61861467-G-A. GRCh37 (hg19) VCF-style: chr17-59938828-G-A.
Other names: short protein forms Q25*.
Identifiers: ClinVar variation 835559 (VCV000835559.12), dbSNP rs2078971612, ClinGen allele CA400485940.